The following is an entry in ClinVar:

NM_015978.3(TNNI3K):c.601G>A (p.Asp201Asn)

Genes: FPGT-TNNI3K (FPGT-TNNI3K readthrough; plus strand), TNNI3K (TNNI3 interacting kinase; plus strand). Cytogenetic location: 1p31.1.
Variant type: single nucleotide variant.
Coding change: c.601G>A on transcript NM_015978.3 (MANE Select); coding-DNA position 601, G replaced by A.
Protein change: p.Asp201Asn; replaces aspartic acid 201 with asparagine.
Molecular consequence: missense variant.
Genome position (GRCh38, 1-based): chr1:74,336,068, G>A. VCF-style: chr1-74336068-G-A. GRCh37 (hg19) VCF-style: chr1-74801752-G-A.
Other names: c.904G>A, p.Asp302Asn (NM_001112808.3, NM_001199327.2); short protein forms D201N, D302N.
Identifiers: ClinVar variation 2790864 (VCV002790864.3), dbSNP rs2524332771, ClinGen allele CA340780287.

ClinVar aggregate classification (germline): Uncertain significance (1 of 4 stars; one submission).

Submission:

Labcorp Genetics (formerly Invitae), Labcorp
Classification: Uncertain significance. Last evaluated: 2024-04-30. Review status: criteria provided, single submitter. Criteria: Invitae Variant Classification Sherloc (09022015). Collection method: clinical testing. Allele origin: germline.
Comment: This sequence change replaces aspartic acid, which is acidic and polar, with asparagine, which is neutral and polar, at codon 201 of the TNNI3K protein (p.Asp201Asn). This variant is not present in population databases (gnomAD no frequency). This variant has not been reported in the literature in individuals affected with TNNI3K-related conditions. Advanced modeling of protein sequence and biophysical properties (such as structural, functional, and spatial information, amino acid conservation, physicochemical variation, residue mobility, and thermodynamic stability) performed at Invitae indicates that this missense variant is not expected to disrupt TNNI3K protein function with a negative predictive value of 80%. In summary, the available evidence is currently insufficient to determine the role of this variant in disease. Therefore, it has been classified as a Variant of Uncertain Significance.